The following is an entry in ClinVar:

NM_003924.4(PHOX2B):c.624C>G (p.Cys208Trp)

Gene: PHOX2B (paired like homeobox 2B; minus strand). Cytogenetic location: 4p13.
Variant type: single nucleotide variant.
Coding change: c.624C>G on transcript NM_003924.4 (MANE Select); coding-DNA position 624, C replaced by G.
Protein change: p.Cys208Trp; replaces cysteine 208 with tryptophan.
Molecular consequence: missense variant.
Genome position (GRCh38, 1-based): chr4:41,746,128, G>C on the plus strand (C>G on the coding strand, the complement: PHOX2B is on the minus strand). VCF-style: chr4-41746128-G-C. GRCh37 (hg19) VCF-style: chr4-41748145-G-C.
Other names: short protein forms C208W.
Identifiers: ClinVar variation 1993527 (VCV001993527.4), dbSNP rs1060504149, ClinGen allele CA356737647.

ClinVar aggregate classification (germline): Uncertain significance (1 of 4 stars; one submission).

Conditions:
Haddad syndrome (OHD). Also called: Ondine-Hirschsprung disease. Identifiers: Orphanet 99803, MedGen C1859049, MONDO:0020493.

Submission:

Labcorp Genetics (formerly Invitae), Labcorp
Classification: Uncertain significance for Haddad syndrome. Last evaluated: 2022-06-29. Review status: criteria provided, single submitter. Criteria: Invitae Variant Classification Sherloc (09022015). Collection method: clinical testing. Allele origin: germline.
Comment: This sequence change replaces cysteine, which is neutral and slightly polar, with tryptophan, which is neutral and slightly polar, at codon 208 of the PHOX2B protein (p.Cys208Trp). This variant is not present in population databases (gnomAD no frequency). This variant has not been reported in the literature in individuals affected with PHOX2B-related conditions. Algorithms developed to predict the effect of missense changes on protein structure and function are either unavailable or do not agree on the potential impact of this missense change (SIFT: "Deleterious"; PolyPhen-2: "Not Available"; Align-GVGD: "Class C15"). In summary, the available evidence is currently insufficient to determine the role of this variant in disease. Therefore, it has been classified as a Variant of Uncertain Significance.